The following is an entry in ClinVar:

NM_000051.4(ATM):c.7307+5C>A

Genes: ATM (ATM serine/threonine kinase; plus strand), C11orf65 (chromosome 11 open reading frame 65; minus strand). Cytogenetic location: 11q22.3.
Variant type: single nucleotide variant.
Coding change: c.7307+5C>A on transcript NM_000051.4 (MANE Select); 5 bases into the intron after coding-DNA position 7307, C replaced by A.
Molecular consequence: intron variant.
Genome position (GRCh38, 1-based): chr11:108,329,243, C>A. VCF-style: chr11-108329243-C-A. GRCh37 (hg19) VCF-style: chr11-108199970-C-A.
Other names: c.7307+5C>A (NM_001351834.2); c.641-20172G>T (NM_001330368.2); c.*38+5977G>T (NM_001351110.2).
Identifiers: ClinVar variation 2830885 (VCV002830885.3), dbSNP rs2086005523, ClinGen allele CA2615860933.

ClinVar aggregate classification (germline): Uncertain significance (1 of 4 stars; one submission).

Conditions:
Ataxia-telangiectasia syndrome (AT). Also called: LOUIS-BAR SYNDROME; Cerebello-oculocutaneous telangiectasia; Immunodeficiency with ataxia telangiectasia; Ataxia telangiectasia (A-T); Ataxia-telangiectasia, complementation group D; AT, COMPLEMENTATION GROUP C. Identifiers: Orphanet 100, MedGen C0004135, MONDO:0008840, OMIM 208900.

Allele frequency attached by ClinVar (database versions not stated): gnomAD exomes below 0.00001.
gnomAD v4.1: 1 of 1,607,832 alleles (0.000062%); highest among the groups gnomAD compares: Non-Finnish European, 0.000085%; no homozygotes.

Submission:

Labcorp Genetics (formerly Invitae), Labcorp
Classification: Uncertain significance for Ataxia-telangiectasia syndrome. Last evaluated: 2023-01-22. Review status: criteria provided, single submitter. Criteria: Invitae Variant Classification Sherloc (09022015). Collection method: clinical testing. Allele origin: germline.
Comment: This sequence change falls in intron 49 of the ATM gene. It does not directly change the encoded amino acid sequence of the ATM protein. It affects a nucleotide within the consensus splice site. This variant is not present in population databases (gnomAD no frequency). This variant has not been reported in the literature in individuals affected with ATM-related conditions. Variants that disrupt the consensus splice site are a relatively common cause of aberrant splicing (PMID: 17576681, 9536098). Algorithms developed to predict the effect of sequence changes on RNA splicing suggest that this variant is not likely to affect RNA splicing. In summary, the available evidence is currently insufficient to determine the role of this variant in disease. Therefore, it has been classified as a Variant of Uncertain Significance.

Literature cited by the submitters: PubMed 17576681; PubMed 9536098.